The following is an entry in ClinVar:

NM_003072.5(SMARCA4):c.627G>A (p.Pro209=)

Gene: SMARCA4 (SWI/SNF related BAF chromatin remodeling complex subunit ATPase 4; plus strand). Cytogenetic location: 19p13.2.
Variant type: single nucleotide variant.
Coding change: c.627G>A on transcript NM_003072.5 (MANE Select); coding-DNA position 627, G replaced by A.
Protein change: p.Pro209=; no amino-acid change (proline 209 retained).
Molecular consequence: synonymous variant. On other transcripts: non-coding transcript variant (1).
Genome position (GRCh38, 1-based): chr19:10,986,460, G>A. VCF-style: chr19-10986460-G-A. GRCh37 (hg19) VCF-style: chr19-11097136-G-A.
Other names: c.627G>A, p.Pro209= (NM_001128844.3, NM_001128845.2, NM_001128846.2 and 5 more transcripts).
Identifiers: ClinVar variation 480686 (VCV000480686.17), dbSNP rs1388204648, ClinGen allele CA505744028.

ClinVar aggregate classification (germline): Benign/Likely benign. Review status: criteria provided, multiple submitters, no conflicts (2 of 4 stars). 3 submissions from 3 submitters: Benign (1); Likely benign (2). Last evaluated 2026-07-09.

Conditions:
Hereditary cancer-predisposing syndrome. Also called: Tumor predisposition; Neoplastic Syndromes, Hereditary; Hereditary Cancer Syndrome; Hereditary neoplastic syndrome. Identifiers: Orphanet 140162, MedGen C0027672, MeSH D009386, MONDO:0015356.
Rhabdoid tumor predisposition syndrome 2 (RTPS2). Identifiers: Orphanet 231108, Orphanet 69077, MedGen C2750074, MONDO:0013224, OMIM 613325.

Allele frequency attached by ClinVar (database versions not stated): gnomAD exomes 0.00001; TOPMed 0.00001; gnomAD 0.00001.
gnomAD v4.1: 24 of 1,556,698 alleles (0.0015%); highest among the groups gnomAD compares: Non-Finnish European, 0.0017%; no homozygotes.

Submissions (3):

Myriad Genetics, Inc.
Classification: Benign for Rhabdoid tumor predisposition syndrome 2. Last evaluated: 2026-07-09. Review status: criteria provided, single submitter. Criteria: Myriad Autosomal Dominant, Autosomal Recessive and X-Linked Classification Criteria (2023). Collection method: clinical testing. Allele origin: unknown.
Comment: This variant is considered benign. This variant is a silent/synonymous amino acid change and it is not expected to impact splicing.

Labcorp Genetics (formerly Invitae), Labcorp
Classification: Likely benign for Rhabdoid tumor predisposition syndrome 2. Last evaluated: 2026-01-20. Review status: criteria provided, single submitter. Criteria: Invitae Variant Classification Sherloc (09022015). Collection method: clinical testing. Allele origin: germline.

Ambry Genetics
Classification: Likely benign for Hereditary cancer-predisposing syndrome. Last evaluated: 2017-04-18. Review status: criteria provided, single submitter. Criteria: Ambry Variant Classification Scheme 2023. Collection method: clinical testing. Allele origin: germline.